The following is an entry in ClinVar:

NM_003235.5(TG):c.7733G>A (p.Arg2578Gln)

Gene: TG (thyroglobulin; plus strand). Cytogenetic location: 8q24.22.
Variant type: single nucleotide variant.
Coding change: c.7733G>A on transcript NM_003235.5 (MANE Select); coding-DNA position 7733, G replaced by A.
Protein change: p.Arg2578Gln; replaces arginine 2578 with glutamine.
Molecular consequence: missense variant.
Genome position (GRCh38, 1-based): chr8:133,113,582, G>A. VCF-style: chr8-133113582-G-A. GRCh37 (hg19) VCF-style: chr8-134125826-G-A.
Other names: short protein forms R2578Q.
Identifiers: ClinVar variation 3895988 (VCV003895988.1).

ClinVar aggregate classification (germline): Uncertain significance (1 of 4 stars; one submission).

gnomAD v4.1: 30 of 1,614,024 alleles (0.0019%); highest among the groups gnomAD compares: East Asian, 0.013%; no homozygotes.

Submission:

Women's Health and Genetics/Laboratory Corporation of America, LabCorp
Classification: Uncertain significance. Last evaluated: 2025-03-24. Review status: criteria provided, single submitter. Criteria: LabCorp Variant Classification Summary - May 2015. Collection method: clinical testing. Allele origin: germline.
Comment: Variant summary: TG c.7733G>A (p.Arg2578Gln) results in a conservative amino acid change in the encoded protein sequence. Three of five in-silico tools predict a benign effect of the variant on protein function. The variant allele was found at a frequency of 3.6e-05 in 251152 control chromosomes. The available data on variant occurrences in the general population are insufficient to allow any conclusion about variant significance. c.7733G>A has been reported in the literature in the heterozygous state in individuals affected with congenital hypothyroidism, without strong evidence for causality (e.g. Wang_2020, Sun_2021). These reports do not provide unequivocal conclusions about association of the variant with TG-Related Disorders. To our knowledge, no experimental evidence demonstrating an impact on protein function has been reported. The following publications have been ascertained in the context of this evaluation (PMID: 34564849, 32425884). No submitters have cited clinical-significance assessments for this variant to ClinVar. Based on the evidence outlined above, the variant was classified as uncertain significance.

Literature cited by the submitters: PubMed 32425884; PubMed 34564849.